The following is an entry in ClinVar:

NM_003640.5(ELP1):c.2322_2325del (p.Asp775fs)

Gene: ELP1 (elongator acetyltransferase complex subunit 1; minus strand). Cytogenetic location: 9q31.3.
Variant type: Microsatellite.
Coding change: c.2322_2325del on transcript NM_003640.5 (MANE Select); coding-DNA positions 2322 to 2325, 4 bases deleted (AGAT; older notation c.2322_2325delAGAT).
Protein change: p.Asp775fs; shifts the reading frame from aspartic acid 775.
Molecular consequence: frameshift variant.
Genome position (GRCh38, 1-based): chr9:108,898,540-108,898,543, ATCT deleted on the plus strand (AGAT on the coding strand, the reverse complement: ELP1 is on the minus strand); deleting any 4 consecutive bases within chr9:108,898,540-108,898,547 gives the same sequence; the c. name uses the placement nearest the transcript's 3' end. VCF-style (leftmost placement, unchanged base first): chr9-108898539-AATCT-A. GRCh37 (hg19) VCF-style: chr9-111660819-AATCT-A.
Other names: c.1980_1983del, p.Asp661fs (NM_001318360.2); c.1275_1278del, p.Asp426fs (NM_001330749.2); c.2322_2325delAGAT (NM_003640.4); short protein forms D426fs, D661fs, D775fs.
Identifiers: ClinVar variation 1451893 (VCV001451893.11), dbSNP rs1341613149, ClinGen allele CA858472255.

ClinVar aggregate classification (germline): Pathogenic/Likely pathogenic. Review status: criteria provided, multiple submitters, no conflicts (2 of 4 stars). 4 submissions from 4 submitters: Pathogenic (2); Likely pathogenic (2). Last evaluated 2025-09-07.

Conditions:
Medulloblastoma (MDB). Also called: MEDULLOBLASTOMA PREDISPOSITION SYNDROME; Medulloblastoma, somatic. Identifiers: Orphanet 616, MedGen C0025149, MeSH D008527, MONDO:0007959, OMIM 155255, HP:0002885.
Familial dysautonomia. Also called: HSAN III; FD. Identifiers: Orphanet 1764, MedGen C0013364, MONDO:0009131, OMIM 223900. Disease mechanism: loss of function.

Submissions (4):

Labcorp Genetics (formerly Invitae), Labcorp
Classification: Pathogenic. Last evaluated: 2025-09-07. Review status: criteria provided, single submitter. Criteria: Invitae Variant Classification Sherloc (09022015). Collection method: clinical testing. Allele origin: germline.
Comment: This sequence change creates a premature translational stop signal (p.Asp775Leufs*2) in the ELP1 gene. It is expected to result in an absent or disrupted protein product. Loss-of-function variants in ELP1 are known to be pathogenic (PMID: 18303054, 24173031). This variant is not present in population databases (gnomAD no frequency). This variant has not been reported in the literature in individuals affected with ELP1-related conditions. For these reasons, this variant has been classified as Pathogenic.

Natera, Inc.
Classification: Likely pathogenic for Familial dysautonomia. Last evaluated: 2025-08-14. Review status: criteria provided, single submitter. Criteria: Natera Variant Classification Schema (03/2026). Collection method: clinical testing. Allele origin: germline.
Comment: The c.2322_2325delAGAT variant in ELP1 is a frameshift variant predicted to shift the reading frame beginning at codon 775 and leads to a stop codon 2 codons downstream. This variant is expected to result in nonsense mediated decay, truncation, or a dysfunctional protein product. This variant is rare in the general population with a frequency below the threshold expected for the associated phenotype(s). Given the available evidence, this variant is classified as Likely Pathogenic.

Fulgent Genetics
Classification: Likely pathogenic for Medulloblastoma; Familial dysautonomia. Last evaluated: 2021-10-30. Review status: criteria provided, single submitter. Criteria: ACMG Guidelines, 2015. Collection method: clinical testing. Allele origin: unknown.

Ambry Genetics
Classification: Pathogenic. Last evaluated: 2021-07-23. Review status: criteria provided, single submitter. Criteria: Ambry Variant Classification Scheme 2023. Collection method: clinical testing. Allele origin: germline.
Comment: The c.2322_2325delAGAT pathogenic mutation, located in coding exon 21 of the IKBKAP gene, results from a deletion of 4 nucleotides at nucleotide positions 2322 to 2325, causing a translational frameshift with a predicted alternate stop codon (p.D775Lfs*2). This variant is considered to be rare based on population cohorts in the Genome Aggregation Database (gnomAD). This alteration is expected to result in loss of function by premature protein truncation or nonsense-mediated mRNA decay. As such, this alteration is interpreted as a disease-causing mutation.

Literature cited by the submitters: PubMed 18303054 (cited by Labcorp Genetics (formerly Invitae), Labcorp); PubMed 24173031 (cited by Labcorp Genetics (formerly Invitae), Labcorp).